The following is an entry in ClinVar:

ClinVar aggregate classification (germline): Pathogenic (1 of 4 stars; one submission).

Conditions:
3-hydroxy-3-methylglutaryl-CoA synthase deficiency (HMGCS2D). Also called: HMG-CoA synthase-2 deficiency; MITOCHONDRIAL HMG-CoA SYNTHASE DEFICIENCY; HMGCS2 DEFICIENCY. Identifiers: Orphanet 35701, MedGen C2751532, MONDO:0011614, OMIM 605911.

Submission:

Labcorp Genetics (formerly Invitae), Labcorp
Classification: Pathogenic for 3-hydroxy-3-methylglutaryl-CoA synthase deficiency. Last evaluated: 2024-06-10. Review status: criteria provided, single submitter. Criteria: Invitae Variant Classification Sherloc (09022015). Collection method: clinical testing. Allele origin: germline.
Comment: This sequence change creates a premature translational stop signal (p.Gly212*) in the HMGCS2 gene. It is expected to result in an absent or disrupted protein product. Loss-of-function variants in HMGCS2 are known to be pathogenic (PMID: 20346956, 23751782, 25511235). This variant is not present in population databases (gnomAD no frequency). This variant has not been reported in the literature in individuals affected with HMGCS2-related conditions. Algorithms developed to predict the effect of sequence changes on RNA splicing suggest that this variant may disrupt the consensus splice site. For these reasons, this variant has been classified as Pathogenic.

Literature cited by the submitters: PubMed 20346956; PubMed 23751782; PubMed 25511235.

NM_005518.4(HMGCS2):c.634G>T (p.Gly212Ter)

Gene: HMGCS2 (3-hydroxy-3-methylglutaryl-CoA synthase 2; minus strand). Cytogenetic location: 1p12.
Variant type: single nucleotide variant.
Coding change: c.634G>T on transcript NM_005518.4 (MANE Select); coding-DNA position 634, G replaced by T.
Protein change: p.Gly212Ter; replaces glycine 212 with a stop codon.
Molecular consequence: nonsense. On other transcripts: intron variant (1).
Genome position (GRCh38, 1-based): chr1:119,759,915, C>A on the plus strand (G>T on the coding strand, the complement: HMGCS2 is on the minus strand). VCF-style: chr1-119759915-C-A. GRCh37 (hg19) VCF-style: chr1-120302538-C-A.
Other names: c.560-633G>T (NM_001166107.1); short protein forms G212*.
Identifiers: ClinVar variation 3693126 (VCV003693126.2).